The following is an entry in ClinVar:

NM_005956.4(MTHFD1):c.915T>C (p.Ile305=)

Gene: MTHFD1 (methylenetetrahydrofolate dehydrogenase, cyclohydrolase and formyltetrahydrofolate synthetase 1; plus strand). Cytogenetic location: 14q23.3.
Variant type: single nucleotide variant.
Coding change: c.915T>C on transcript NM_005956.4 (MANE Select); coding-DNA position 915, T replaced by C.
Protein change: p.Ile305=; no amino-acid change (isoleucine 305 retained).
Molecular consequence: synonymous variant.
Genome position (GRCh38, 1-based): chr14:64,425,789, T>C. VCF-style: chr14-64425789-T-C. GRCh37 (hg19) VCF-style: chr14-64892507-T-C.
Other names: c.915T>C, p.Ile305= (NM_001364837.1); c.915T>C (NM_005956.3).
Identifiers: ClinVar variation 1903466 (VCV001903466.7), dbSNP rs913206571, ClinGen allele CA261835295.

ClinVar aggregate classification (germline): Likely benign. Review status: criteria provided, single submitter (1 of 4 stars). 2 submissions from 2 submitters: Likely benign (1). 1 of the submissions does not count toward it. Last evaluated 2025-02-02.

Conditions:
MTHFD1-related disorder. Also called: MTHFD1-related condition.

Allele frequency attached by ClinVar (database versions not stated): gnomAD 0.00001; gnomAD exomes 0.00001; TOPMed 0.00001.
gnomAD v4.1: 8 of 1,613,726 alleles (0.0005%); highest among the groups gnomAD compares: Admixed American, 0.012%; no homozygotes.

Submissions (2):

Labcorp Genetics (formerly Invitae), Labcorp
Classification: Likely benign. Last evaluated: 2025-02-02. Review status: criteria provided, single submitter. Criteria: Invitae Variant Classification Sherloc (09022015). Collection method: clinical testing. Allele origin: germline.

PreventionGenetics, part of Exact Sciences
Classification: Likely benign for MTHFD1-related condition. Last evaluated: 2019-06-13. Review status: no assertion criteria provided. Collection method: clinical testing. Allele origin: germline. Not counted in ClinVar's aggregate classification.
Comment: This variant is classified as likely benign based on ACMG/AMP sequence variant interpretation guidelines (Richards et al. 2015 PMID: 25741868, with internal and published modifications).